The following is an entry in ClinVar:

NM_001134407.3(GRIN2A):c.470T>A (p.Val157Asp)

Gene: GRIN2A (glutamate ionotropic receptor NMDA type subunit 2A; minus strand). Cytogenetic location: 16p13.2.
Variant type: single nucleotide variant.
Coding change: c.470T>A on transcript NM_001134407.3 (MANE Select); coding-DNA position 470, T replaced by A.
Protein change: p.Val157Asp; replaces valine 157 with aspartic acid.
Molecular consequence: missense variant.
Genome position (GRCh38, 1-based): chr16:9,938,496, A>T on the plus strand (T>A on the coding strand, the complement: GRIN2A is on the minus strand). VCF-style: chr16-9938496-A-T. GRCh37 (hg19) VCF-style: chr16-10032353-A-T.
Other names: c.470T>A, p.Val157Asp (NM_000833.5, NM_001134408.2); short protein forms V157D.
Identifiers: ClinVar variation 1810049 (VCV001810049.1), dbSNP rs2543143357, ClinGen allele CA394799427.

ClinVar aggregate classification (germline): Uncertain significance (1 of 4 stars; one submission).

Submission:

GeneDx
Classification: Uncertain significance. Last evaluated: 2022-07-01. Review status: criteria provided, single submitter. Criteria: GeneDx Variant Classification Process June 2021. Collection method: clinical testing. Allele origin: germline. Affected: yes.
Comment: Not observed at significant frequency in large population cohorts (gnomAD); In silico analysis supports that this missense variant has a deleterious effect on protein structure/function; Has not been previously published as pathogenic or benign to our knowledge